The following is an entry in ClinVar:

ClinVar aggregate classification (germline): Uncertain significance (1 of 4 stars; one submission).

Conditions:
Primary ciliary dyskinesia 19. Also called: CILIARY DYSKINESIA, PRIMARY, 19, WITH OR WITHOUT SITUS INVERSUS. Identifiers: Orphanet 244, MedGen C3543826, MONDO:0013979, OMIM 614935.

Allele frequency attached by ClinVar (database versions not stated): ExAC 0.00001; TOPMed 0.00001.
gnomAD v4.1: 5 of 1,613,704 alleles (0.00031%); highest among the groups gnomAD compares: Non-Finnish European, 0.00042%; no homozygotes.

Submission:

Labcorp Genetics (formerly Invitae), Labcorp
Classification: Uncertain significance for Primary ciliary dyskinesia 19. Last evaluated: 2018-02-14. Review status: criteria provided, single submitter. Criteria: Invitae Variant Classification Sherloc (09022015). Collection method: clinical testing. Allele origin: germline.
Comment: This sequence change replaces valine with phenylalanine at codon 432 of the LRRC6 protein (p.Val432Phe). The valine residue is moderately conserved and there is a small physicochemical difference between valine and phenylalanine. In summary, the available evidence is currently insufficient to determine the role of this variant in disease. Therefore, it has been classified as a Variant of Uncertain Significance. Algorithms developed to predict the effect of missense changes on protein structure and function do not agree on the potential impact of this missense change (SIFT: "Deleterious"; PolyPhen-2: "Possibly Damaging"; Align-GVGD: "Class C0"). This variant has not been reported in the literature in individuals with LRRC6-related disease. This variant is present in population databases (rs770349365, ExAC 0.001%).

NM_012472.6(DNAAF11):c.1294G>T (p.Val432Phe)

Gene: DNAAF11 (dynein axonemal assembly factor 11; minus strand). Cytogenetic location: 8q24.22.
Variant type: single nucleotide variant.
Coding change: c.1294G>T on transcript NM_012472.6 (MANE Select); coding-DNA position 1294, G replaced by T.
Protein change: p.Val432Phe; replaces valine 432 with phenylalanine.
Molecular consequence: missense variant. On other transcripts: non-coding transcript variant (10).
Genome position (GRCh38, 1-based): chr8:132,572,413, C>A on the plus strand (G>T on the coding strand, the complement: DNAAF11 is on the minus strand). VCF-style: chr8-132572413-C-A. GRCh37 (hg19) VCF-style: chr8-133584661-C-A.
Other names: c.1234G>T, p.Val412Phe (NM_001321961.2); c.1048G>T, p.Val350Phe (NM_001321962.2); c.934G>T, p.Val312Phe (NM_001321963.2, NM_001321964.2, NM_001321965.2); c.874G>T, p.Val292Phe (NM_001321966.2); short protein forms V432F, V312F, V412F, V292F, V350F.
Identifiers: ClinVar variation 568271 (VCV000568271.6), dbSNP rs770349365, ClinGen allele CA4881086.